The following is an entry in ClinVar:

NM_000038.6(APC):c.8372_8374del (p.Arg2791del)

Gene: APC (APC regulator of Wnt signaling pathway; plus strand). Cytogenetic location: 5q22.2.
Variant type: Deletion.
Coding change: c.8372_8374del on transcript NM_000038.6 (MANE Select); coding-DNA positions 8372 to 8374, 3 bases deleted (GGA; older notation c.8372_8374delGGA).
Protein change: p.Arg2791del; deletes arginine 2791.
Molecular consequence: inframe deletion.
Genome position (GRCh38, 1-based): chr5:112,843,966-112,843,968, GGA deleted; deleting any 3 consecutive bases within chr5:112,843,965-112,843,968 gives the same sequence; the c. name uses the placement nearest the transcript's 3' end. VCF-style (leftmost placement, unchanged base first): chr5-112843964-TAGG-T. GRCh37 (hg19) VCF-style: chr5-112179661-TAGG-T.
Other names: c.8372_8374del, p.Arg2791del (NM_001127510.3, NM_001354895.2); c.8318_8320del, p.Arg2773del (NM_001127511.3); c.8426_8428del, p.Arg2809del (NM_001354896.2); c.8402_8404del, p.Arg2801del (NM_001354897.2); c.8297_8299del, p.Arg2766del (NM_001354898.2); c.8288_8290del, p.Arg2763del (NM_001354899.2); c.8249_8251del, p.Arg2750del (NM_001354900.2); c.8195_8197del, p.Arg2732del (NM_001354901.2); and 5 more; short protein forms R2773del, R2791del, R2508del, R2763del, R2665del, R2690del, R2732del, R2766del.
Identifiers: ClinVar variation 569794 (VCV000569794.11), dbSNP rs1561622652, ClinGen allele CA891843093.

ClinVar aggregate classification (germline): Uncertain significance. Review status: criteria provided, multiple submitters, no conflicts (2 of 4 stars). 2 submissions from 2 submitters: Uncertain significance (2). Last evaluated 2025-10-31.

Conditions:
Hereditary cancer-predisposing syndrome. Also called: Hereditary neoplastic syndrome; Tumor predisposition; Neoplastic Syndromes, Hereditary; Hereditary Cancer Syndrome. Identifiers: Orphanet 140162, MedGen C0027672, MeSH D009386, MONDO:0015356.
Familial adenomatous polyposis 1 (FAP1). Also called: POLYPOSIS, ADENOMATOUS INTESTINAL; FAMILIAL ADENOMATOUS POLYPOSIS 1, ATTENUATED. Identifiers: MedGen C2713442, MONDO:0021056, OMIM 175100. Disease mechanism: loss of function.

Submissions (2):

Ambry Genetics
Classification: Uncertain significance for Hereditary cancer-predisposing syndrome. Last evaluated: 2025-10-31. Review status: criteria provided, single submitter. Criteria: Ambry Variant Classification Scheme 2023. Collection method: clinical testing. Allele origin: germline.
Comment: The c.8372_8374delGGA variant (also known as p.R2791del) is located in coding exon 15 of the APC gene. This variant results from an in-frame GGA deletion at nucleotide positions 8372 to 8374. This results in the in-frame deletion of an arginine at codon 2791. This amino acid position is highly conserved in available vertebrate species. In addition, this variant is predicted to be deleterious by in silico analysis (Choi Y et al. PLoS ONE. 2012; 7(10):e46688). Based on the available evidence, the clinical significance of this variant remains unclear.

Labcorp Genetics (formerly Invitae), Labcorp
Classification: Uncertain significance for Familial adenomatous polyposis 1. Last evaluated: 2022-08-10. Review status: criteria provided, single submitter. Criteria: Invitae Variant Classification Sherloc (09022015). Collection method: clinical testing. Allele origin: germline.
Comment: This variant, c.8372_8374del, results in the deletion of 1 amino acid(s) of the APC protein (p.Arg2791del), but otherwise preserves the integrity of the reading frame. This variant is not present in population databases (gnomAD no frequency). This variant has not been reported in the literature in individuals affected with APC-related conditions. ClinVar contains an entry for this variant (Variation ID: 569794). Experimental studies and prediction algorithms are not available or were not evaluated, and the functional significance of this variant is currently unknown. In summary, the available evidence is currently insufficient to determine the role of this variant in disease. Therefore, it has been classified as a Variant of Uncertain Significance.